The following is an entry in ClinVar:

GRCh37/hg19 Xp22.33(chrX:614727-636490)x0

Variant type: copy number loss.
Change: copy number 0 of chrX:614,727-636,490 (21.8 kb, GRCh37 coordinates, 1-based), cytogenetic band Xp22.33.
Identifiers: ClinVar variation 1341014 (VCV001341014.1).

ClinVar aggregate classification (germline): Pathogenic (0 of 4 stars; one submission).

Submission:

Quest Diagnostics Nichols Institute San Juan Capistrano
Classification: Pathogenic. Last evaluated: 2021-05-01. Review status: no assertion criteria provided. Collection method: clinical testing. Allele origin: germline.
Comment: The microdeletion at Xp22.33 involves the short stature homeobox gene (SHOX; OMIM 312865) and its enhancer. The phenotypic spectrum of SHOX deficiency disorders, caused by haploinsufficiency of the SHOX gene, ranges from Leri-Weill dyschondrosteosis (LWD; OMIM #127300) at the severe end of the spectrum to idiopathic familial short stature (#300582) at the mild end of the spectrum. The phenotype of short stature caused by SHOX deficiency (in the absence of mesomelia and Madelung deformity) is highly variable, even within the same family (GeneReviews). The classic clinical triad in LWD is short stature, mesomelia, and Madelung deformity. The penetrance of SHOX deficiency is high, but its clinical expression is highly variable, becoming more pronounced with age and being more severe in females. Most cases with SHOX haploinsufficiency are familial. However, the family history of some individuals diagnosed with SHOX deficiency may appear to be negative because of failure to recognize the disorder in family members.